The following is an entry in ClinVar:

NM_017721.5(CC2D1A):c.2479del (p.Ala827fs)

Gene: CC2D1A (coiled-coil and C2 domain containing 1A; plus strand). Cytogenetic location: 19p13.12.
Variant type: Deletion.
Coding change: c.2479del on transcript NM_017721.5 (MANE Select); coding-DNA position 2479, one base deleted (G; older notation c.2479delG).
Protein change: p.Ala827fs; shifts the reading frame from alanine 827.
Molecular consequence: frameshift variant.
Genome position (GRCh38, 1-based): chr19:13,928,148, G deleted; the last of 2 consecutive G bases (chr19:13,928,147-13,928,148); deleting either gives the same sequence. VCF-style (leftmost placement, unchanged base first): chr19-13928146-AG-A. GRCh37 (hg19) VCF-style: chr19-14038959-AG-A.
Other names: c.2476del, p.Ala826fs (NM_001411138.1); short protein forms A826fs, A827fs.
Identifiers: ClinVar variation 4832620 (VCV004832620.1).
Genomic context (GRCh38, chr19:13,928,146, plus strand): 5'-GGGCCCAGGACTCACAGGACTGGTTCTCTCCTCTGAAGCAGGTTGCTGGGCCCAAAGGGA[AG>A]GCCCCTCCTGTGCCTGCCCCTGCAAGGGAGTCAGGGAACAGGTAGGTATCTGGGCCAGGG-3'

ClinVar aggregate classification (germline): Uncertain significance (1 of 4 stars; one submission).

Conditions:
Inborn genetic diseases. Identifiers: MedGen C0950123, MeSH D030342.

Submission:

Ambry Genetics
Classification: Uncertain significance for Inborn genetic diseases. Last evaluated: 2026-02-09. Review status: criteria provided, single submitter. Criteria: Ambry Variant Classification Scheme 2023. Collection method: clinical testing. Allele origin: germline.
Comment: The c.2479delG (p.A827Pfs*116) alteration, located in exon 24 (coding exon 24) of the CC2D1A gene, consists of a deletion of one nucleotide at position 2479, causing a translational frameshift with a predicted alternate stop codon after 116 amino acids. This variant is not expected to trigger nonsense-mediated mRNA decay and impacts the last 13% of the protein. The exact functional effect of this alteration is unknown. This variant was not reported in population-based cohorts in the Genome Aggregation Database (gnomAD). Based on insufficient or conflicting evidence, the clinical significance of this alteration remains unclear.